The following is an entry in ClinVar:

NM_001365536.1(SCN9A):c.1096C>T (p.Leu366Phe)

Genes: SCN1A-AS1 (SCN1A and SCN9A antisense RNA 1; plus strand), SCN9A (sodium voltage-gated channel alpha subunit 9; minus strand). Cytogenetic location: 2q24.3.
Variant type: single nucleotide variant.
Coding change: c.1096C>T on transcript NM_001365536.1 (MANE Select); coding-DNA position 1096, C replaced by T.
Protein change: p.Leu366Phe; replaces leucine 366 with phenylalanine.
Molecular consequence: missense variant.
Genome position (GRCh38, 1-based): chr2:166,293,242, G>A on the plus strand (C>T on the coding strand, the complement: SCN9A is on the minus strand). VCF-style: chr2-166293242-G-A. GRCh37 (hg19) VCF-style: chr2-167149752-G-A.
Other names: c.1096C>T, p.Leu366Phe (NM_002977.4); short protein forms L366F.
Identifiers: ClinVar variation 966171 (VCV000966171.10), dbSNP rs1698155295, ClinGen allele CA349088766.

ClinVar aggregate classification (germline): Uncertain significance (1 of 4 stars; one submission).

Conditions:
Generalized epilepsy with febrile seizures plus, type 7 (GEFSP7). Also called: GEFS+, TYPE 7. Identifiers: Orphanet 36387, MedGen C2751778, MONDO:0013470, OMIM 613863.
Neuropathy, hereditary sensory and autonomic, type 2A (HSAN2A). Also called: MORVAN DISEASE; NEUROPATHY, CONGENITAL SENSORY; NEUROPATHY, HEREDITARY SENSORY RADICULAR, AUTOSOMAL RECESSIVE; NEUROPATHY, HEREDITARY SENSORY, TYPE IIA; NEUROPATHY, PROGRESSIVE SENSORY, OF CHILDREN; ACROOSTEOLYSIS, GIACCAI TYPE. Identifiers: Orphanet 970, MedGen C2752089, MONDO:0024309, OMIM 201300.

Submission:

Labcorp Genetics (formerly Invitae), Labcorp
Classification: Uncertain significance for Neuropathy, hereditary sensory and autonomic, type 2A; Generalized epilepsy with febrile seizures plus, type 7. Last evaluated: 2019-11-13. Review status: criteria provided, single submitter. Criteria: Invitae Variant Classification Sherloc (09022015). Collection method: clinical testing. Allele origin: germline.
Comment: In summary, the available evidence is currently insufficient to determine the role of this variant in disease. Therefore, it has been classified as a Variant of Uncertain Significance. Algorithms developed to predict the effect of missense changes on protein structure and function are either unavailable or do not agree on the potential impact of this missense change (SIFT: "Deleterious"; PolyPhen-2: "Probably Damaging"; Align-GVGD: "Class C15"). This variant has not been reported in the literature in individuals with SCN9A-related conditions. This variant is not present in population databases (ExAC no frequency). This sequence change replaces leucine with phenylalanine at codon 366 of the SCN9A protein (p.Leu366Phe). The leucine residue is highly conserved and there is a small physicochemical difference between leucine and phenylalanine.